The following is an entry in ClinVar:

NM_017714.3(TASP1):c.755G>A (p.Ser252Asn)

Gene: TASP1 (taspase 1; minus strand). Cytogenetic location: 20p12.1.
Variant type: single nucleotide variant.
Coding change: c.755G>A on transcript NM_017714.3 (MANE Select); coding-DNA position 755, G replaced by A.
Protein change: p.Ser252Asn; replaces serine 252 with asparagine.
Molecular consequence: missense variant. On other transcripts: non-coding transcript variant (4).
Genome position (GRCh38, 1-based): chr20:13,534,062, C>T on the plus strand (G>A on the coding strand, the complement: TASP1 is on the minus strand). VCF-style: chr20-13534062-C-T. GRCh37 (hg19) VCF-style: chr20-13514709-C-T.
Other names: c.362G>A, p.Ser121Asn (NM_001323602.2); c.449G>A, p.Ser150Asn (NM_001323603.2, NM_001323604.2); short protein forms S121N, S150N, S252N.
Identifiers: ClinVar variation 4530704 (VCV004530704.1).

ClinVar aggregate classification (germline): Uncertain significance (1 of 4 stars; one submission).

Submission:

GeneDx
Classification: Uncertain significance. Last evaluated: 2025-05-20. Review status: criteria provided, single submitter. Criteria: GeneDx Variant Classification Process June 2021. Collection method: clinical testing. Allele origin: germline. Affected: yes.
Comment: Not observed at significant frequency in large population cohorts (gnomAD); In silico analysis supports that this missense variant has a deleterious effect on protein structure/function; Has not been previously published as pathogenic or benign to our knowledge